The following is an entry in ClinVar:

NM_139343.3(BIN1):c.698+4A>G

Gene: BIN1 (bridging integrator 1; minus strand). Cytogenetic location: 2q14.3.
Variant type: single nucleotide variant.
Coding change: c.698+4A>G on transcript NM_139343.3 (MANE Select); 4 bases into the intron after coding-DNA position 698, A replaced by G.
Molecular consequence: intron variant.
Genome position (GRCh38, 1-based): chr2:127,063,929, T>C on the plus strand (A>G on the coding strand, the complement: BIN1 is on the minus strand). VCF-style: chr2-127063929-T-C. GRCh37 (hg19) VCF-style: chr2-127821505-T-C.
Other names: c.617+4A>G (NM_001320642.1); c.533+4A>G (NM_001320634.1); c.605+4A>G (NM_139351.3, NM_139350.3, NM_139349.3 and 6 more transcripts); c.698+4A>G (NM_001320633.2, NM_139345.3, NM_139344.3 and 1 more transcripts).
Identifiers: ClinVar variation 4721905 (VCV004721905.1).

ClinVar aggregate classification (germline): Uncertain significance (1 of 4 stars; one submission).

Conditions:
Myopathy, centronuclear, 2 (CNM2). Also called: MYOTUBULAR MYOPATHY, AUTOSOMAL RECESSIVE. Identifiers: Orphanet 169186, MedGen CN031787, MONDO:0009709, OMIM 255200.

Submission:

Labcorp Genetics (formerly Invitae), Labcorp
Classification: Uncertain significance for Myopathy, centronuclear, 2. Last evaluated: 2025-08-02. Review status: criteria provided, single submitter. Criteria: Invitae Variant Classification Sherloc (09022015). Collection method: clinical testing. Allele origin: germline.
Comment: This sequence change falls in intron 8 of the BIN1 gene. It does not directly change the encoded amino acid sequence of the BIN1 protein. It affects a nucleotide within the consensus splice site. This variant is not present in population databases (gnomAD no frequency). This variant has not been reported in the literature in individuals affected with BIN1-related conditions. Variants that disrupt the consensus splice site are a relatively common cause of aberrant splicing (PMID: 17576681, 9536098). Algorithms developed to predict the effect of sequence changes on RNA splicing suggest that this variant is not likely to affect RNA splicing. In summary, the available evidence is currently insufficient to determine the role of this variant in disease. Therefore, it has been classified as a Variant of Uncertain Significance.

Literature cited by the submitters: PubMed 17576681; PubMed 9536098.